The following is an entry in ClinVar:

NM_000492.4(CFTR):c.3559C>T (p.Leu1187Phe)

Genes: CFTR (CF transmembrane conductance regulator; plus strand), CFTR-AS2 (CFTR antisense RNA 2; minus strand). Cytogenetic location: 7q31.2.
Variant type: single nucleotide variant.
Coding change: c.3559C>T on transcript NM_000492.4 (MANE Select); coding-DNA position 3559, C replaced by T.
Protein change: p.Leu1187Phe; replaces leucine 1187 with phenylalanine.
Molecular consequence: missense variant.
Genome position (GRCh38, 1-based): chr7:117,627,612, C>T. VCF-style: chr7-117627612-C-T. GRCh37 (hg19) VCF-style: chr7-117267666-C-T.
Other names: short protein forms L1187F.
Identifiers: ClinVar variation 2453645 (VCV002453645.3), dbSNP rs763298273, ClinGen allele CA368996400.
Genomic context (GRCh38, chr7:117,627,612, plus strand): 5'-ATTGACATGCCAACAGAAGGTAAACCTACCAAGTCAACCAAACCATACAAGAATGGCCAA[C>T]TCTCGAAAGTTATGATTATTGAGAATTCACACGTGAAGAAAGATGACATCTGGCCCTCAG-3'
Protein context (NP_000483.3, residues 1177-1197): KSTKPYKNGQ[Leu1187Phe]SKVMIIENSH

ClinVar aggregate classification (germline): Uncertain significance. Review status: criteria provided, multiple submitters, no conflicts (2 of 4 stars). 2 submissions from 2 submitters: Uncertain significance (2). Last evaluated 2025-05-28.

Conditions:
CFTR-related disorder (CFTR-RD). Also called: CFTR-related condition; CFTR-related disorders. Identifiers: MedGen C5924204, MONDO:7770004.
Cystic fibrosis (CF). Also called: MUCOVISCIDOSIS. Identifiers: Orphanet 586, MedGen C0010674, MONDO:0009061, OMIM 219700. Disease mechanism: loss of function.

Submissions (2):

PreventionGenetics, part of Exact Sciences
Classification: Uncertain significance for CFTR-related condition. Last evaluated: 2025-05-28. Review status: criteria provided, single submitter. Criteria: ACMG Guidelines, 2015. Collection method: clinical testing. Allele origin: germline.
Comment: The CFTR c.3559C>T variant is predicted to result in the amino acid substitution p.Leu1187Phe. This variant was reported in an individual with cystic fibrosis (De Paolis et al. 2023. PubMed ID: 37628659). This variant has not been reported in a large population database (gnomAD), indicating this variant is rare. This variant is interpreted as uncertain in ClinVar. At this time, the clinical significance of this variant is uncertain due to the absence of conclusive functional and genetic evidence.

Ambry Genetics
Classification: Uncertain significance for Cystic fibrosis. Last evaluated: 2023-01-18. Review status: criteria provided, single submitter. Criteria: Ambry Variant Classification Scheme 2023. Collection method: clinical testing. Allele origin: germline.
Comment: The p.L1187F variant (also known as c.3559C>T), located in coding exon 22 of the CFTR gene, results from a C to T substitution at nucleotide position 3559. The leucine at codon 1187 is replaced by phenylalanine, an amino acid with highly similar properties. This amino acid position is conserved. In addition, the in silico prediction for this alteration is inconclusive. Since supporting evidence is limited at this time, the clinical significance of this alteration remains unclear.